The following is an entry in ClinVar:

NM_001278064.2(GRM1):c.3505_3507del (p.Ser1169del)

Gene: GRM1 (glutamate metabotropic receptor 1; plus strand). Cytogenetic location: 6q24.3.
Variant type: Deletion.
Coding change: c.3505_3507del on transcript NM_001278064.2 (MANE Select); coding-DNA positions 3505 to 3507, 3 bases deleted (TCG; older notation c.3505_3507delTCG).
Protein change: p.Ser1169del; deletes serine 1169.
Molecular consequence: 3 prime UTR variant (on NM_001278065.2).
Genome position (GRCh38, 1-based): chr6:146,434,716-146,434,718, TCG deleted; deleting any 3 consecutive bases within chr6:146,434,715-146,434,718 gives the same sequence; the c. name uses the placement nearest the transcript's 3' end. VCF-style (leftmost placement, unchanged base first): chr6-146434714-AGTC-A. GRCh37 (hg19) VCF-style: chr6-146755850-AGTC-A.
Other names: c.*869_*871del (NM_001278065.2); c.*834_*836del (NM_001278066.1); c.*743_*745del (NM_001278067.1); short protein forms S1169del.
Identifiers: ClinVar variation 3359673 (VCV003359673.1).

ClinVar aggregate classification (germline): Uncertain significance (1 of 4 stars; one submission).

Submission:

GeneDx
Classification: Uncertain significance. Last evaluated: 2023-06-12. Review status: criteria provided, single submitter. Criteria: GeneDx Variant Classification Process June 2021. Collection method: clinical testing. Allele origin: germline. Affected: yes.
Comment: In-frame deletion of 1 amino acids in a non-repeat region; In silico analysis supports a deleterious effect on protein structure/function; Has not been previously published as pathogenic or benign to our knowledge